The following is an entry in ClinVar:

ClinVar aggregate classification (germline): Uncertain significance (1 of 4 stars; one submission).

Submission:

Labcorp Genetics (formerly Invitae), Labcorp
Classification: Uncertain significance. Last evaluated: 2026-01-29. Review status: criteria provided, single submitter. Criteria: Invitae Variant Classification Sherloc (09022015). Collection method: clinical testing. Allele origin: germline.
Comment: This sequence change replaces methionine, which is neutral and non-polar, with valine, which is neutral and non-polar, at codon 266 of the RFX6 protein (p.Met266Val). This variant is not present in population databases (gnomAD no frequency). This variant has not been reported in the literature in individuals affected with RFX6-related conditions. Invitae Evidence Modeling of protein sequence and biophysical properties (such as structural, functional, and spatial information, amino acid conservation, physicochemical variation, residue mobility, and thermodynamic stability) indicates that this missense variant is not expected to disrupt RFX6 protein function with a negative predictive value of 80%. In summary, the available evidence is currently insufficient to determine the role of this variant in disease. Therefore, it has been classified as a Variant of Uncertain Significance.

NM_173560.4(RFX6):c.796A>G (p.Met266Val)

Gene: RFX6 (regulatory factor X6; plus strand). Cytogenetic location: 6q22.1.
Variant type: single nucleotide variant.
Coding change: c.796A>G on transcript NM_173560.4 (MANE Select); coding-DNA position 796, A replaced by G.
Protein change: p.Met266Val; replaces methionine 266 with valine.
Molecular consequence: missense variant.
Genome position (GRCh38, 1-based): chr6:116,916,023, A>G. VCF-style: chr6-116916023-A-G. GRCh37 (hg19) VCF-style: chr6-117237186-A-G.
Other names: short protein forms M266V.
Identifiers: ClinVar variation 4738576 (VCV004738576.1).
Genomic context (GRCh38, chr6:116,916,023, plus strand): 5'-GTGTTAAAAGGATGCTTTGGTTAAGCTTTTTCTTCCTTGAAATAGGTTGATACGCTCATA[A>G]TGATGTACAAAACTCACTGCCAGTGTATCCTGGACAATGCAATTAATGGAAACTTTGAAG-3'
Protein context (NP_775831.2, residues 256-276): ISKDKVDTLI[Met266Val]MYKTHCQCIL